The following is an entry in ClinVar:

ClinVar aggregate classification (germline): Pathogenic (1 of 4 stars; one submission).

Conditions:
Intellectual developmental disorder, X-linked 1. Also called: Intellectual disability, X-linked 1; Atkin Flaitz Patil Smith syndrome; MENTAL RETARDATION, X-LINKED 18; MENTAL RETARDATION, X-LINKED 78. Identifiers: Orphanet 777, MedGen C2931498, MONDO:0010656, OMIM 309530.

Submission:

Labcorp Genetics (formerly Invitae), Labcorp
Classification: Pathogenic for Intellectual developmental disorder, X-linked 1. Last evaluated: 2023-10-03. Review status: criteria provided, single submitter. Criteria: Invitae Variant Classification Sherloc (09022015). Collection method: clinical testing. Allele origin: germline.
Comment: This variant is a gross deletion of the genomic region encompassing exon(s) 5-15 of the IQSEC2 gene, which includes the termination codon. This deletion extends beyond the assayed region for this gene and therefore may encompass additional genes. While this deletion is not anticipated to lead to nonsense mediated decay, it is expected to alter mRNA translation or result in a truncated protein product. This variant has not been reported in the literature in individuals affected with IQSEC2-related conditions. This variant disrupts a region of the IQSEC2 protein in which other variant(s) (p.Ala836Val) have been determined to be pathogenic (PMID: 28815955, 30666632, 31415821; Invitae). This suggests that this is a clinically significant region of the protein, and that variants that disrupt it are likely to be disease-causing. For these reasons, this variant has been classified as Pathogenic.

Literature cited by the submitters: PubMed 28815955; PubMed 30666632; PubMed 31415821.

NC_000023.10:g.(?_53263401)_(53280376_?)del

Gene: IQSEC2 (IQ motif and Sec7 domain ArfGEF 2; minus strand). Cytogenetic location: Xp11.22.
Variant type: Deletion.
Identifiers: ClinVar variation 2423726 (VCV002423726.6).